The following is an entry in ClinVar:

ClinVar aggregate classification (germline): Uncertain significance (1 of 4 stars; one submission).

Allele frequency attached by ClinVar (database versions not stated): gnomAD exomes below 0.00001.
gnomAD v4.1: 3 of 1,614,188 alleles (0.00019%); highest among the groups gnomAD compares: East Asian, 0.0022%; no homozygotes.

Submission:

Labcorp Genetics (formerly Invitae), Labcorp
Classification: Uncertain significance. Last evaluated: 2021-04-28. Review status: criteria provided, single submitter. Criteria: Invitae Variant Classification Sherloc (09022015). Collection method: clinical testing. Allele origin: germline.
Comment: In summary, the available evidence is currently insufficient to determine the role of this variant in disease. Therefore, it has been classified as a Variant of Uncertain Significance. Advanced modeling of protein sequence and biophysical properties (such as structural, functional, and spatial information, amino acid conservation, physicochemical variation, residue mobility, and thermodynamic stability) performed at Invitae indicates that this missense variant is not expected to disrupt COL9A1 protein function. This variant has not been reported in the literature in individuals with COL9A1-related conditions. This variant is not present in population databases (ExAC no frequency). This sequence change replaces glutamic acid with lysine at codon 876 of the COL9A1 protein (p.Glu876Lys). The glutamic acid residue is moderately conserved and there is a small physicochemical difference between glutamic acid and lysine.

NM_001851.6(COL9A1):c.2626G>A (p.Glu876Lys)

Gene: COL9A1 (collagen type IX alpha 1 chain; minus strand). Cytogenetic location: 6q13.
Variant type: single nucleotide variant.
Coding change: c.2626G>A on transcript NM_001851.6 (MANE Select); coding-DNA position 2626, G replaced by A.
Protein change: p.Glu876Lys; replaces glutamic acid 876 with lysine.
Molecular consequence: missense variant. On other transcripts: non-coding transcript variant (1).
Genome position (GRCh38, 1-based): chr6:70,217,037, C>T on the plus strand (G>A on the coding strand, the complement: COL9A1 is on the minus strand). VCF-style: chr6-70217037-C-T. GRCh37 (hg19) VCF-style: chr6-70926740-C-T.
Other names: c.1927G>A, p.Glu643Lys (NM_001377289.1); c.1750G>A, p.Glu584Lys (NM_001377290.1); c.1897G>A, p.Glu633Lys (NM_078485.4); short protein forms E643K, E584K, E876K, E633K.
Identifiers: ClinVar variation 1347320 (VCV001347320.6), dbSNP rs2127544097, ClinGen allele CA364668064.